The following is an entry in ClinVar:

NM_002465.4(MYBPC1):c.1360G>A (p.Asp454Asn)

Genes: MYBPC1 (myosin binding protein C1; plus strand), LOC105369937 (uncharacterized LOC105369937; minus strand). Cytogenetic location: 12q23.2.
Variant type: single nucleotide variant.
Coding change: c.1360G>A on transcript NM_002465.4 (MANE Select); coding-DNA position 1360, G replaced by A.
Protein change: p.Asp454Asn; replaces aspartic acid 454 with asparagine.
Molecular consequence: missense variant.
Genome position (GRCh38, 1-based): chr12:101,649,423, G>A. VCF-style: chr12-101649423-G-A. GRCh37 (hg19) VCF-style: chr12-102043201-G-A.
Other names: c.1285G>A, p.Asp429Asn (NM_001254718.3, NM_001254719.3, NM_206820.4 and 1 more transcripts); c.1249G>A, p.Asp417Asn (NM_001254720.3); c.1228G>A, p.Asp410Asn (NM_001254721.3, NM_001404676.1, NM_001404678.1); c.1207G>A, p.Asp403Asn (NM_001254722.3, NM_001404680.1); c.1246G>A, p.Asp416Asn (NM_001254723.3); c.1360G>A, p.Asp454Asn (NM_001404675.1, NM_206819.4); c.1150G>A, p.Asp384Asn (NM_001404677.1, NM_001404679.1, NM_001404681.1); short protein forms D454N, D410N, D417N, D429N, D384N, D403N, D416N.
Identifiers: ClinVar variation 5008187 (VCV005008187.1).

ClinVar aggregate classification (germline): Uncertain significance (1 of 4 stars; one submission).

gnomAD v4.1: 1 of 1,613,766 alleles (0.000062%); highest among the groups gnomAD compares: Non-Finnish European, 0.000085%; no homozygotes.

Submission:

GeneDx
Classification: Uncertain significance. Last evaluated: 2026-02-27. Review status: criteria provided, single submitter. Criteria: GeneDx Variant Classification Process June 2021. Collection method: clinical testing. Allele origin: germline.
Comment: Not observed at significant frequency in large population cohorts (gnomAD); In silico analysis suggests that this missense variant does not alter protein structure/function; Has not been previously published as pathogenic or benign to our knowledge